The following is an entry in ClinVar:

ClinVar aggregate classification (germline): Conflicting classifications of pathogenicity. Review status: criteria provided, conflicting classifications (1 of 4 stars). 2 submissions from 2 submitters: Uncertain significance (1); Likely benign (1). Last evaluated 2023-08-11.

Allele frequency attached by ClinVar (database versions not stated): gnomAD exomes below 0.00001 and 0.00001; ExAC 0.00001; gnomAD 0.00001; TOPMed 0.00001.
gnomAD v4.1: 8 of 1,613,668 alleles (0.0005%); highest among the groups gnomAD compares: Admixed American, 0.0033%; no homozygotes.

Submissions (2):

Labcorp Genetics (formerly Invitae), Labcorp
Classification: Uncertain significance. Last evaluated: 2023-08-11. Review status: criteria provided, single submitter. Criteria: Invitae Variant Classification Sherloc (09022015). Collection method: clinical testing. Allele origin: germline.
Comment: This sequence change replaces glutamic acid, which is acidic and polar, with lysine, which is basic and polar, at codon 221 of the KAT6A protein (p.Glu221Lys). This variant is present in population databases (rs774910975, gnomAD 0.002%). This variant has not been reported in the literature in individuals affected with KAT6A-related conditions. ClinVar contains an entry for this variant (Variation ID: 1690764). Advanced modeling of protein sequence and biophysical properties (such as structural, functional, and spatial information, amino acid conservation, physicochemical variation, residue mobility, and thermodynamic stability) performed at Invitae indicates that this missense variant is not expected to disrupt KAT6A protein function. In summary, the available evidence is currently insufficient to determine the role of this variant in disease. Therefore, it has been classified as a Variant of Uncertain Significance.

Laboratorio de Genetica e Diagnostico Molecular, Hospital Israelita Albert Einstein
Classification: Likely benign. Last evaluated: 2020-01-02. Review status: criteria provided, single submitter. Criteria: ACMG Guidelines, 2015. Collection method: clinical testing. Allele origin: germline. Affected: yes.
Comment: ACMG classification criteria: PM2, BP1, BP4

NM_006766.5(KAT6A):c.661G>A (p.Glu221Lys)

Gene: KAT6A (lysine acetyltransferase 6A; minus strand). Cytogenetic location: 8p11.21.
Variant type: single nucleotide variant.
Coding change: c.661G>A on transcript NM_006766.5 (MANE Select); coding-DNA position 661, G replaced by A.
Protein change: p.Glu221Lys; replaces glutamic acid 221 with lysine.
Molecular consequence: missense variant.
Genome position (GRCh38, 1-based): chr8:41,987,503, C>T on the plus strand (G>A on the coding strand, the complement: KAT6A is on the minus strand). VCF-style: chr8-41987503-C-T. GRCh37 (hg19) VCF-style: chr8-41845021-C-T.
Other names: c.661G>A, p.Glu221Lys (NM_001305878.2); short protein forms E221K.
Identifiers: ClinVar variation 1690764 (VCV001690764.5), dbSNP rs774910975, ClinGen allele CA4730371.
Genomic context (GRCh38, chr8:41,987,503, plus strand): 5'-GAAATCACATACCACTGTTGCCACAGTCGGCACAGGAGATGAGTTCCTCTGGCTTCTTTT[C>T]TCGGTTTTGTTCTTTTGTACCAAGACAGAAACTACAGATGGGGATTGGTTCAGCAACCGG-3'
Protein context (NP_006757.2, residues 211-231): FCLGTKEQNR[Glu221Lys]KKPEELISCA